The following is an entry in ClinVar:

NM_001211.6(BUB1B):c.240G>T (p.Arg80Ser)

Gene: BUB1B (BUB1 mitotic checkpoint serine/threonine kinase B; plus strand). Cytogenetic location: 15q15.1.
Variant type: single nucleotide variant.
Coding change: c.240G>T on transcript NM_001211.6 (MANE Select); coding-DNA position 240, G replaced by T.
Protein change: p.Arg80Ser; replaces arginine 80 with serine.
Molecular consequence: missense variant.
Genome position (GRCh38, 1-based): chr15:40,170,537, G>T. VCF-style: chr15-40170537-G-T. GRCh37 (hg19) VCF-style: chr15-40462738-G-T.
Other names: short protein forms R80S.
Identifiers: ClinVar variation 1790871 (VCV001790871.3), dbSNP rs772218663, ClinGen allele CA391678835.
Genomic context (GRCh38, chr15:40,170,537, plus strand): 5'-GCAAGAACAAAAGTACATGTTCAATTTAAAATGTGTTCTTATCTTTTTCCTCCCATTTAG[G>T]TATATCAGCTGGACAGAGCAGAACTATCCTCAAGGTGGGAAGGAGAGTAATATGTCAACG-3'
Protein context (NP_001202.5, residues 70-90): TGNDPLDVWD[Arg80Ser]YISWTEQNYP

ClinVar aggregate classification (germline): Uncertain significance (1 of 4 stars; one submission).

Conditions:
Inborn genetic diseases. Identifiers: MedGen C0950123, MeSH D030342.

gnomAD v4.1: 1 of 1,613,524 alleles (0.000062%); no homozygotes.

Submission:

Ambry Genetics
Classification: Uncertain significance for Inborn genetic diseases. Last evaluated: 2025-06-21. Review status: criteria provided, single submitter. Criteria: Ambry Variant Classification Scheme 2023. Collection method: clinical testing. Allele origin: germline.
Comment: The p.R80S variant (also known as c.240G>T) is located in coding exon 4 of the BUB1B gene. The arginine at codon 80 is replaced by serine, an amino acid with dissimilar properties. This change occurs in the first base pair of coding exon 4. This amino acid position is conserved. In addition, the in silico prediction for this alteration is inconclusive. Since supporting evidence is limited at this time, the clinical significance of this alteration remains unclear.